The following is an entry in ClinVar:

NM_030665.4(RAI1):c.4311T>C (p.Pro1437=)

Gene: RAI1 (retinoic acid induced 1; plus strand). Cytogenetic location: 17p11.2.
Variant type: single nucleotide variant.
Coding change: c.4311T>C on transcript NM_030665.4 (MANE Select); coding-DNA position 4311, T replaced by C.
Protein change: p.Pro1437=; no amino-acid change (proline 1437 retained).
Molecular consequence: synonymous variant.
Genome position (GRCh38, 1-based): chr17:17,797,259, T>C. VCF-style: chr17-17797259-T-C. GRCh37 (hg19) VCF-style: chr17-17700573-T-C.
Other names: p.Pro1437=.
Identifiers: ClinVar variation 96190 (VCV000096190.27), dbSNP rs4925112, ClinGen allele CA149337.

ClinVar aggregate classification (germline): Benign. Review status: criteria provided, multiple submitters, no conflicts (2 of 4 stars). 9 submissions from 9 submitters: Benign (8). 1 of the submissions does not count toward it. Last evaluated 2026-02-03.

Conditions:
Inborn genetic diseases. Identifiers: MedGen C0950123, MeSH D030342.
Smith-Magenis syndrome (SMS). Also called: CHROMOSOME 17p11.2 DELETION SYNDROME. Identifiers: Orphanet 819, MedGen C0795864, MONDO:0008434, OMIM 182290.

Allele frequency attached by ClinVar (database versions not stated): gnomAD exomes 0.06047 and 0.06052; ExAC 0.06456; 1000 Genomes Project 0.09465; 1000 Genomes Project 30x 0.09853; gnomAD 0.10908 and 0.11504; TOPMed 0.11378; ESP Exome Variant Server 0.12356.
gnomAD v4.1: 105,067 of 1,612,960 alleles (6.5%); highest among the groups gnomAD compares: African/African-American, 25%; 5,087 homozygotes.

Submissions (9):

Labcorp Genetics (formerly Invitae), Labcorp
Classification: Benign. Last evaluated: 2026-02-03. Review status: criteria provided, single submitter. Criteria: Invitae Variant Classification Sherloc (09022015). Collection method: clinical testing. Allele origin: germline.

Mayo Clinic Laboratories, Mayo Clinic
Classification: Benign. Last evaluated: 2022-11-10. Review status: criteria provided, single submitter. Criteria: ACMG Guidelines, 2015. Collection method: clinical testing. Allele origin: germline. Observed: 3 variant alleles.

Athena Diagnostics
Classification: Benign for Smith-Magenis syndrome. Last evaluated: 2017-05-05. Review status: criteria provided, single submitter. Criteria: Athena Diagnostics Criteria. Collection method: clinical testing. Allele origin: germline.

Ambry Genetics
Classification: Benign for Inborn genetic diseases. Last evaluated: 2016-04-15. Review status: criteria provided, single submitter. Criteria: Ambry Variant Classification Scheme 2023. Collection method: clinical testing. Allele origin: germline.

GeneDx
Classification: Benign. Last evaluated: 2015-03-03. Review status: criteria provided, single submitter. Criteria: GeneDx Variant Classification Process June 2021. Collection method: clinical testing. Allele origin: germline. Affected: yes.

Eurofins Ntd Llc (ga)
Classification: Benign. Last evaluated: 2014-12-22. Review status: criteria provided, single submitter. Criteria: EGL Classification Definitions 2015. Collection method: clinical testing. Allele origin: germline. Observed: 13 variant alleles, 12 heterozygotes, 1 homozygote.

Breakthrough Genomics
Classification: Benign. Review status: criteria provided, single submitter. Criteria: ACMG Guidelines, 2015. Collection method: not provided. Allele origin: germline. Inheritance: Autosomal dominant inheritance. Affected: yes.

PreventionGenetics, part of Exact Sciences
Classification: Benign. Review status: criteria provided, single submitter. Criteria: ACMG Guidelines, 2015. Collection method: clinical testing. Allele origin: germline.

Genetic Services Laboratory, University of Chicago
Classification: Likely benign for AllHighlyPenetrant. Review status: no assertion criteria provided. Collection method: clinical testing. Allele origin: germline. Inheritance: Autosomal dominant inheritance. Not counted in ClinVar's aggregate classification.
Comment: Likely benign based on allele frequency in 1000 Genomes Project or ESP global frequency and its presence in a patient with a rare or unrelated disease phenotype. NOT Sanger confirmed.